The following is an entry in ClinVar:

NM_002334.4(LRP4):c.4674C>T (p.His1558=)

Genes: LRP4-AS1 (LRP4 antisense RNA 1; plus strand), LRP4 (LDL receptor related protein 4; minus strand). Cytogenetic location: 11p11.2.
Variant type: single nucleotide variant.
Coding change: c.4674C>T on transcript NM_002334.4 (MANE Select); coding-DNA position 4674, C replaced by T.
Protein change: p.His1558=; no amino-acid change (histidine 1558 retained).
Molecular consequence: synonymous variant.
Genome position (GRCh38, 1-based): chr11:46,871,543, G>A on the plus strand (C>T on the coding strand, the complement: LRP4 is on the minus strand). VCF-style: chr11-46871543-G-A. GRCh37 (hg19) VCF-style: chr11-46893094-G-A.
Identifiers: ClinVar variation 703905 (VCV000703905.42), dbSNP rs61742905, ClinGen allele CA5969267.

ClinVar aggregate classification (germline): Benign/Likely benign. Review status: criteria provided, multiple submitters, no conflicts (2 of 4 stars). 5 submissions from 5 submitters: Benign (1); Likely benign (4). Last evaluated 2025-09-24.

Conditions:
Cenani-Lenz syndactyly syndrome. Also called: SYNDACTYLY, TYPE VII; CENANI SYNDACTYLISM. Identifiers: Orphanet 3258, MedGen C1859309, MONDO:0008931, OMIM 212780.
Sclerosteosis 2 (SOST2). Identifiers: Orphanet 3152, MedGen C3280402, MONDO:0013679, OMIM 614305.
Congenital myasthenic syndrome 17. Identifiers: Orphanet 590, MedGen C4225377, MONDO:0014578, OMIM 616304.

Allele frequency attached by ClinVar (database versions not stated): gnomAD exomes 0.00039; ExAC 0.00050; gnomAD 0.00119 and 0.00127; ESP Exome Variant Server 0.00154; TOPMed 0.00169; 1000 Genomes Project 30x 0.00219; 1000 Genomes Project 0.00220.
gnomAD v4.1: 460 of 1,612,586 alleles (0.029%); highest among the groups gnomAD compares: African/African-American, 0.38%; 1 homozygote.

Submissions (5):

Labcorp Genetics (formerly Invitae), Labcorp
Classification: Benign for Cenani-Lenz syndactyly syndrome; Sclerosteosis 2; Congenital myasthenic syndrome 17. Last evaluated: 2025-09-24. Review status: criteria provided, single submitter. Criteria: Invitae Variant Classification Sherloc (09022015). Collection method: clinical testing. Allele origin: germline.

Blueprint Genetics
Classification: Likely benign. Last evaluated: 2024-08-06. Review status: criteria provided, single submitter. Criteria: ACMG Guidelines, 2015. Collection method: clinical testing. Allele origin: germline.

CeGaT Center for Human Genetics Tuebingen
Classification: Likely benign. Last evaluated: 2022-12-01. Review status: criteria provided, single submitter. Criteria: CeGaT Center For Human Genetics Tuebingen Variant Classification Criteria Version 2. Collection method: clinical testing. Allele origin: germline. Affected: yes. Observed: 1 variant allele.
Comment: LRP4: BP4, BP7

Illumina Laboratory Services, Illumina
Classification: Likely benign for Cenani-Lenz syndactyly syndrome. Last evaluated: 2018-01-13. Review status: criteria provided, single submitter. Criteria: ICSL Variant Classification Criteria 13 December 2019. Collection method: clinical testing. Allele origin: germline.
Comment: This variant was observed in the ICSL laboratory as part of a predisposition screen in an ostensibly healthy population. It had not been previously curated by ICSL or reported in the Human Gene Mutation Database (HGMD: prior to June 1st, 2018), and was therefore a candidate for classification through an automated scoring system. Utilizing variant allele frequency, disease prevalence and penetrance estimates, and inheritance mode, an automated score was calculated to assess if this variant is too frequent to cause the disease. Based on the score and internal cut-off values, a variant classified as likely benign is not then subjected to further curation. The score for this variant resulted in a classification of likely benign for this disease.

Breakthrough Genomics
Classification: Likely benign. Review status: criteria provided, single submitter. Criteria: ACMG Guidelines, 2015. Collection method: not provided. Allele origin: germline. Inheritance: Autosomal recessive inheritance. Affected: yes.